The following is an entry in ClinVar:

NC_000017.10:g.(?_56434819)_(56440971_?)del

Gene: RNF43 (ring finger protein 43; minus strand). Cytogenetic location: 17q22.
Variant type: Deletion.
Identifiers: ClinVar variation 2426353 (VCV002426353.3).

ClinVar aggregate classification (germline): Uncertain significance (1 of 4 stars; one submission).

Submission:

Labcorp Genetics (formerly Invitae), Labcorp
Classification: Uncertain significance. Last evaluated: 2022-10-11. Review status: criteria provided, single submitter. Criteria: Invitae Variant Classification Sherloc (09022015). Collection method: clinical testing. Allele origin: germline.
Comment: This variant is a gross deletion of the genomic region encompassing exon(s) 4-9 of the RNF43 gene. While this deletion is not anticipated to lead to nonsense mediated decay, it is expected to disrupt the C-terminus of the protein. This variant has not been reported in the literature in individuals affected with RNF43-related conditions. Experimental studies and prediction algorithms are not available or were not evaluated, and the functional significance of this variant is currently unknown. In summary, the available evidence is currently insufficient to determine the role of this variant in disease. Therefore, it has been classified as a Variant of Uncertain Significance.